The following is an entry in ClinVar:

NM_014780.5(CUL7):c.2724C>T (p.Cys908=)

Gene: CUL7 (cullin 7; minus strand). Cytogenetic location: 6p21.1.
Variant type: single nucleotide variant.
Coding change: c.2724C>T on transcript NM_014780.5 (MANE Select); coding-DNA position 2724, C replaced by T.
Protein change: p.Cys908=; no amino-acid change (cysteine 908 retained).
Molecular consequence: synonymous variant.
Genome position (GRCh38, 1-based): chr6:43,046,028, G>A on the plus strand (C>T on the coding strand, the complement: CUL7 is on the minus strand). VCF-style: chr6-43046028-G-A. GRCh37 (hg19) VCF-style: chr6-43013766-G-A.
Other names: c.2820C>T, p.Cys940= (NM_001168370.2, NM_001374872.1); c.2724C>T, p.Cys908= (NM_001374873.1, NM_001374874.1).
Identifiers: ClinVar variation 735971 (VCV000735971.4), dbSNP rs779362501, ClinGen allele CA3813730.

ClinVar aggregate classification (germline): Conflicting classifications of pathogenicity. Review status: criteria provided, conflicting classifications (1 of 4 stars). 2 submissions from 2 submitters: Uncertain significance (1); Likely benign (1). Last evaluated 2024-06-26.

Allele frequency attached by ClinVar (database versions not stated): TOPMed below 0.00001; gnomAD 0.00001; ExAC 0.00002; gnomAD exomes 0.00002 and 0.00005.
gnomAD v4.1: 69 of 1,613,922 alleles (0.0043%); highest among the groups gnomAD compares: Non-Finnish European, 0.0055%; no homozygotes.

Submissions (2):

GeneDx
Classification: Uncertain significance. Last evaluated: 2024-06-26. Review status: criteria provided, single submitter. Criteria: GeneDx Variant Classification Process June 2021. Collection method: clinical testing. Allele origin: germline. Affected: yes.
Comment: Has not been previously published as pathogenic or benign to our knowledge; In silico analysis is inconclusive as to whether the variant alters gene splicing. In the absence of RNA/functional studies, the actual effect of this sequence change is unknown.

Labcorp Genetics (formerly Invitae), Labcorp
Classification: Likely benign. Last evaluated: 2018-02-20. Review status: criteria provided, single submitter. Criteria: Invitae Variant Classification Sherloc (09022015). Collection method: clinical testing. Allele origin: germline.